The following is an entry in ClinVar:

ClinVar aggregate classification (germline): Benign/Likely benign. Review status: criteria provided, multiple submitters, no conflicts (2 of 4 stars). 6 submissions from 6 submitters: Benign (2); Likely benign (3). 1 of the submissions does not count toward it. Last evaluated 2025-12-24.

Conditions:
ANK1-related disorder. Also called: ANK1-related condition.
Hereditary spherocytosis type 1. Also called: Spherocytosis type 1; ANK1-Related Spherocytosis. Identifiers: Orphanet 822, MedGen C2674218, MONDO:0008447, OMIM 182900.

Allele frequency attached by ClinVar (database versions not stated): gnomAD exomes 0.00026; ExAC 0.00033; ESP Exome Variant Server 0.00092; gnomAD 0.00113 and 0.00119; TOPMed 0.00125; 1000 Genomes Project 30x 0.00141; 1000 Genomes Project 0.00160.
gnomAD v4.1: 341 of 1,613,530 alleles (0.021%); highest among the groups gnomAD compares: African/African-American, 0.38%; 1 homozygote.

Submissions (6):

Labcorp Genetics (formerly Invitae), Labcorp
Classification: Benign. Last evaluated: 2025-12-24. Review status: criteria provided, single submitter. Criteria: Invitae Variant Classification Sherloc (09022015). Collection method: clinical testing. Allele origin: germline.

Mayo Clinic Laboratories, Mayo Clinic
Classification: Likely benign. Last evaluated: 2024-10-15. Review status: criteria provided, single submitter. Criteria: ACMG Guidelines, 2015. Collection method: clinical testing. Allele origin: germline. Observed: 8 variant alleles.

Blueprint Genetics
Classification: Likely benign. Last evaluated: 2024-06-27. Review status: criteria provided, single submitter. Criteria: ACMG Guidelines, 2015. Collection method: clinical testing. Allele origin: germline.

ARUP Laboratories, Molecular Genetics and Genomics, ARUP Laboratories
Classification: Likely benign for Hereditary spherocytosis type 1. Last evaluated: 2023-11-16. Review status: criteria provided, single submitter. Criteria: ARUP Molecular Germline Variant Investigation Process 2024. Collection method: clinical testing. Allele origin: germline.

Breakthrough Genomics
Classification: Benign. Review status: criteria provided, single submitter. Criteria: ACMG Guidelines, 2015. Collection method: not provided. Allele origin: germline. Inheritance: Autosomal dominant inheritance. Affected: yes.

PreventionGenetics, part of Exact Sciences
Classification: Likely benign for ANK1-related condition. Last evaluated: 2019-07-26. Review status: no assertion criteria provided. Collection method: clinical testing. Allele origin: germline. Not counted in ClinVar's aggregate classification.
Comment: This variant is classified as likely benign based on ACMG/AMP sequence variant interpretation guidelines (Richards et al. 2015 PMID: 25741868, with internal and published modifications).

NM_000037.4(ANK1):c.2826G>A (p.Thr942=)

Gene: ANK1 (ankyrin 1; minus strand). Cytogenetic location: 8p11.21.
Variant type: single nucleotide variant.
Coding change: c.2826G>A on transcript NM_000037.4 (MANE Select); coding-DNA position 2826, G replaced by A.
Protein change: p.Thr942=; no amino-acid change (threonine 942 retained).
Molecular consequence: synonymous variant.
Genome position (GRCh38, 1-based): chr8:41,696,497, C>T on the plus strand (G>A on the coding strand, the complement: ANK1 is on the minus strand). VCF-style: chr8-41696497-C-T. GRCh37 (hg19) VCF-style: chr8-41554015-C-T.
Other names: p.Thr942=; c.2826G>A (NM_020476.2); c.2949G>A, p.Thr983= (NM_001142446.2); c.2826G>A, p.Thr942= (NM_020475.3, NM_020476.3, NM_020477.3).
Identifiers: ClinVar variation 785876 (VCV000785876.12), dbSNP rs7002295, ClinGen allele CA4728072.